The following is an entry in ClinVar:

NM_032043.3(BRIP1):c.2741T>C (p.Leu914Ser)

Gene: BRIP1 (BRCA1 interacting DNA helicase 1; minus strand). Cytogenetic location: 17q23.2.
Variant type: single nucleotide variant.
Coding change: c.2741T>C on transcript NM_032043.3 (MANE Select); coding-DNA position 2741, T replaced by C.
Protein change: p.Leu914Ser; replaces leucine 914 with serine.
Molecular consequence: missense variant.
Genome position (GRCh38, 1-based): chr17:61,686,000, A>G on the plus strand (T>C on the coding strand, the complement: BRIP1 is on the minus strand). VCF-style: chr17-61686000-A-G. GRCh37 (hg19) VCF-style: chr17-59763361-A-G.
Other names: short protein forms L914S.
Identifiers: ClinVar variation 324351 (VCV000324351.32), dbSNP rs886053215, ClinGen allele CA10646355.

ClinVar aggregate classification (germline): Uncertain significance. Review status: criteria provided, multiple submitters, no conflicts (2 of 4 stars). 7 submissions from 7 submitters: Uncertain significance (7). Last evaluated 2025-07-21.

Conditions:
Familial cancer of breast. Also called: BREAST CANCER, FAMILIAL; hereditary breast carcinoma; Hereditary breast cancer. Identifiers: Orphanet 227535, MedGen C0346153, MONDO:0016419, OMIM 114480. Disease mechanism: loss of function.
Fanconi anemia complementation group J. Also called: BRIP1-Related Fanconi Anemia. Identifiers: Orphanet 84, MedGen C1836860, MONDO:0012187, OMIM 609054.
Hereditary cancer-predisposing syndrome. Also called: Neoplastic Syndromes, Hereditary; Hereditary neoplastic syndrome; Tumor predisposition; Hereditary Cancer Syndrome. Identifiers: Orphanet 140162, MedGen C0027672, MeSH D009386, MONDO:0015356.

Allele frequency attached by ClinVar (database versions not stated): gnomAD exomes below 0.00001.

Submissions (7):

GeneDx
Classification: Uncertain significance. Last evaluated: 2025-07-21. Review status: criteria provided, single submitter. Criteria: GeneDx Variant Classification Process June 2021. Collection method: clinical testing. Allele origin: germline. Affected: yes.
Comment: In silico analysis suggests that this missense variant does not alter protein structure/function; Not observed at significant frequency in large population cohorts (gnomAD); This variant is associated with the following publications: (PMID: 11301010, 31159747)

Revvity Omics, Revvity
Classification: Uncertain significance for Fanconi anemia complementation group J. Last evaluated: 2025-03-27. Review status: criteria provided, single submitter. Criteria: ACMG Guidelines, 2015. Collection method: clinical testing. Allele origin: germline.

Center for Genomic Medicine, Rigshospitalet, Copenhagen University Hospital
Classification: Uncertain significance. Last evaluated: 2025-03-04. Review status: criteria provided, single submitter. Criteria: ACMG Guidelines, 2015. Collection method: clinical testing. Allele origin: germline.

Labcorp Genetics (formerly Invitae), Labcorp
Classification: Uncertain significance for Familial cancer of breast; Fanconi anemia complementation group J. Last evaluated: 2024-12-09. Review status: criteria provided, single submitter. Criteria: Invitae Variant Classification Sherloc (09022015). Collection method: clinical testing. Allele origin: germline.
Comment: This sequence change replaces leucine, which is neutral and non-polar, with serine, which is neutral and polar, at codon 914 of the BRIP1 protein (p.Leu914Ser). This variant is not present in population databases (gnomAD no frequency). This missense change has been observed in individual(s) with personal or family history of breast and/or ovarian cancer (PMID: 31159747). ClinVar contains an entry for this variant (Variation ID: 324351). Invitae Evidence Modeling of protein sequence and biophysical properties (such as structural, functional, and spatial information, amino acid conservation, physicochemical variation, residue mobility, and thermodynamic stability) indicates that this missense variant is not expected to disrupt BRIP1 protein function with a negative predictive value of 95%. In summary, the available evidence is currently insufficient to determine the role of this variant in disease. Therefore, it has been classified as a Variant of Uncertain Significance.

Ambry Genetics
Classification: Uncertain significance for Hereditary cancer-predisposing syndrome. Last evaluated: 2024-06-21. Review status: criteria provided, single submitter. Criteria: Ambry Variant Classification Scheme 2023. Collection method: clinical testing. Allele origin: germline.
Comment: The p.L914S variant (also known as c.2741T>C), located in coding exon 18 of the BRIP1 gene, results from a T to C substitution at nucleotide position 2741. The leucine at codon 914 is replaced by serine, an amino acid with dissimilar properties. This alteration has been reported in 1/1197 individuals from Greece, Romania, and Turkey undergoing evaluation for inherited cancer predisposition (Tsaousis GN et al. BMC Cancer, 2019 Jun;19:535). This amino acid position is not well conserved in available vertebrate species. In addition, this alteration is predicted to be tolerated by in silico analysis. Based on the available evidence, the clinical significance of this variant remains unclear.

GeneKor MSA
Classification: Uncertain significance for Hereditary cancer-predisposing syndrome. Last evaluated: 2018-08-01. Review status: criteria provided, single submitter. Criteria: ACMG Guidelines, 2015. Collection method: clinical testing. Allele origin: germline. Affected: no.

Illumina Laboratory Services, Illumina
Classification: Uncertain significance for Fanconi anemia complementation group J. Last evaluated: 2018-01-13. Review status: criteria provided, single submitter. Criteria: ICSL Variant Classification Criteria 13 December 2019. Collection method: clinical testing. Allele origin: germline.

Literature cited by the submitters: PubMed 31159747 (cited by 3 submitters).